The following is an entry in ClinVar:

ClinVar aggregate classification (germline): Pathogenic (1 of 4 stars; one submission).

Conditions:
Aortic aneurysm, familial thoracic 4 (AAT4). Also called: AORTIC ANEURYSM/AORTIC DISSECTION AND PATENT DUCTUS ARTERIOSUS. Identifiers: MedGen C1851504, MONDO:0007568, OMIM 132900.

Submission:

Labcorp Genetics (formerly Invitae), Labcorp
Classification: Pathogenic for Aortic aneurysm, familial thoracic 4. Last evaluated: 2019-11-21. Review status: criteria provided, single submitter. Criteria: Invitae Variant Classification Sherloc (09022015). Collection method: clinical testing. Allele origin: germline.
Comment: For these reasons, this variant has been classified as Pathogenic. Loss-of-function variants in MYH11 are known to be pathogenic (PMID: 25407000, 29575632). This variant has not been reported in the literature in individuals with MYH11-related conditions. This variant is not present in population databases (ExAC no frequency). This sequence change creates a premature translational stop signal (p.Asp1133Thrfs*26) in the MYH11 gene. It is expected to result in an absent or disrupted protein product.

Literature cited by the submitters: PubMed 25407000; PubMed 29575632.

NM_002474.3(MYH11):c.3376del (p.Asp1126fs)

Gene: MYH11 (myosin heavy chain 11; minus strand). Cytogenetic location: 16p13.11.
Variant type: Deletion.
Coding change: c.3376del on transcript NM_002474.3 (MANE Select); coding-DNA position 3376, one base deleted (G; older notation c.3376delG).
Protein change: p.Asp1126fs; shifts the reading frame from aspartic acid 1126.
Molecular consequence: frameshift variant.
Genome position (GRCh38, 1-based): chr16:15,735,496, C deleted on the plus strand (G on the coding strand, the reverse complement: MYH11 is on the minus strand); the first of 2 consecutive C bases (chr16:15,735,496-15,735,497); deleting either gives the same sequence. VCF-style (leftmost placement, unchanged base first): chr16-15735495-TC-T. GRCh37 (hg19) VCF-style: chr16-15829352-TC-T.
Other names: c.3397del, p.Asp1133fs (NM_001040113.2, NM_001040114.2); c.3376del, p.Asp1126fs (NM_022844.3); short protein forms D1126fs, D1133fs.
Identifiers: ClinVar variation 838001 (VCV000838001.7), dbSNP rs2041090817, ClinGen allele CA916083487.